The following is an entry in ClinVar:

ClinVar aggregate classification (germline): Uncertain significance (1 of 4 stars; one submission).

Conditions:
Inborn genetic diseases. Identifiers: MedGen C0950123, MeSH D030342.

Submission:

Ambry Genetics
Classification: Uncertain significance for Inborn genetic diseases. Last evaluated: 2020-04-09. Review status: criteria provided, single submitter. Criteria: Ambry Variant Classification Scheme 2023. Collection method: clinical testing. Allele origin: germline.
Comment: The alteration results in an amino acid change:_x000D_ _x000D_ The c.572G>A (p.G191E) alteration is located in coding exon 6 of the MAP3K7 gene. This alteration results from a G to A substitution at nucleotide position 572, causing the glycine (G) at amino acid position 191 to be replaced by a glutamic acid (E). The alteration is not observed in population databases:_x000D_ _x000D_ Based on data from the Genome Aggregation Database (gnomAD), the MAP3K7 c.572G>A alteration was not observed, with coverage at this position. The altered amino acid is conserved throughout evolution:_x000D_ _x000D_ The p.G191 amino acid is conserved in available vertebrate species. The alteration is predicted inconclusive by in silico modeling:_x000D_ _x000D_ The in silico prediction for the p.G191E alteration is inconclusive. Based on insufficient or conflicting evidence, the clinical significance of this alteration remains unclear.

NM_145331.3(MAP3K7):c.572G>A (p.Gly191Glu)

Gene: MAP3K7 (mitogen-activated protein kinase kinase kinase 7; minus strand). Cytogenetic location: 6q15.
Variant type: single nucleotide variant.
Coding change: c.572G>A on transcript NM_145331.3 (MANE Select); coding-DNA position 572, G replaced by A.
Protein change: p.Gly191Glu; replaces glycine 191 with glutamic acid.
Molecular consequence: missense variant.
Genome position (GRCh38, 1-based): chr6:90,556,535, C>T on the plus strand (G>A on the coding strand, the complement: MAP3K7 is on the minus strand). VCF-style: chr6-90556535-C-T. GRCh37 (hg19) VCF-style: chr6-91266254-C-T.
Other names: c.572G>A, p.Gly191Glu (NM_003188.4, NM_145332.3, NM_145333.3); short protein forms G191E.
Identifiers: ClinVar variation 985515 (VCV000985515.4), dbSNP rs1776343243, ClinGen allele CA365013703.